The following is an entry in ClinVar:

ClinVar aggregate classification (germline): Benign/Likely benign. Review status: criteria provided, multiple submitters, no conflicts (2 of 4 stars). 4 submissions from 3 submitters: Benign (3); Likely benign (1). Last evaluated 2019-09-02.

Conditions:
Orofacial cleft 11 (OFC11). Also called: Orofacial cleft 11; ofc11; CLEFT LIP WITH OR WITHOUT CLEFT PALATE, NONSYNDROMIC, 11. Identifiers: MedGen C2677434, MONDO:0010906, OMIM 600625.
Microphthalmia with brain and digit anomalies (MCOPS6). Also called: MICROPHTHALMIA AND PITUITARY ANOMALIES; Microphthalmia, syndromic 6. Identifiers: Orphanet 139471, MedGen C1864689, MONDO:0011936, OMIM 607932.

Allele frequency attached by ClinVar (database versions not stated): gnomAD exomes 0.01620; gnomAD 0.04584; TOPMed 0.05501; 1000 Genomes Project 0.05631; 1000 Genomes Project 30x 0.05824.

Submissions (4):

GeneDx
Classification: Benign. Last evaluated: 2019-09-02. Review status: criteria provided, single submitter. Criteria: GeneDx Variant Classification Process June 2021. Collection method: clinical testing. Allele origin: germline. Affected: yes.

Illumina Laboratory Services, Illumina
Classification: Benign for Microphthalmia with brain and digit anomalies. Last evaluated: 2018-01-13. Review status: criteria provided, single submitter. Criteria: ICSL Variant Classification Criteria 13 December 2019. Collection method: clinical testing. Allele origin: germline.
Comment: This variant was observed in the ICSL laboratory as part of a predisposition screen in an ostensibly healthy population. It had not been previously curated by ICSL or reported in the Human Gene Mutation Database (HGMD: prior to June 1st, 2018), and was therefore a candidate for classification through an automated scoring system. Utilizing variant allele frequency, disease prevalence and penetrance estimates, and inheritance mode, an automated score was calculated to assess if this variant is too frequent to cause the disease. Based on the score and internal cut-off values, a variant classified as benign is not then subjected to further curation. The score for this variant resulted in a classification of benign for this disease.

Illumina Laboratory Services, Illumina
Classification: Benign for Orofacial cleft 11. Last evaluated: 2018-01-13. Review status: criteria provided, single submitter. Criteria: ICSL Variant Classification Criteria 13 December 2019. Collection method: clinical testing. Allele origin: germline.
Comment: the same text as in the submission from Illumina Laboratory Services, Illumina above.

Breakthrough Genomics
Classification: Likely benign. Review status: criteria provided, single submitter. Criteria: ACMG Guidelines, 2015. Collection method: not provided. Allele origin: germline. Inheritance: Autosomal dominant inheritance. Affected: yes.

NM_001202.6(BMP4):c.*88C>T

Gene: BMP4 (bone morphogenetic protein 4; minus strand). Cytogenetic location: 14q22.2.
Variant type: single nucleotide variant.
Coding change: c.*88C>T on transcript NM_001202.6 (MANE Select); 88 bases downstream of the stop codon, C replaced by T.
Molecular consequence: 3 prime UTR variant.
Genome position (GRCh38, 1-based): chr14:53,949,944, G>A on the plus strand (C>T on the coding strand, the complement: BMP4 is on the minus strand). VCF-style: chr14-53949944-G-A. GRCh37 (hg19) VCF-style: chr14-54416662-G-A.
Other names: c.*88C>T (NM_001347912.1, NM_001347913.2, NM_001347914.2 and 5 more transcripts).
Identifiers: ClinVar variation 313349 (VCV000313349.9), dbSNP rs74054236, ClinGen allele CA10640288.